The following is an entry in ClinVar:

ClinVar aggregate classification (germline): Uncertain significance (1 of 4 stars; one submission).

Allele frequency attached by ClinVar (database versions not stated): gnomAD 0.00001.
gnomAD v4.1: 3 of 1,551,886 alleles (0.00019%); highest among the groups gnomAD compares: Admixed American, 0.0059%; no homozygotes.

Submission:

Labcorp Genetics (formerly Invitae), Labcorp
Classification: Uncertain significance. Last evaluated: 2023-08-04. Review status: criteria provided, single submitter. Criteria: Invitae Variant Classification Sherloc (09022015). Collection method: clinical testing. Allele origin: germline.
Comment: This variant is present in population databases (no rsID available, gnomAD 0.008%). In summary, the available evidence is currently insufficient to determine the role of this variant in disease. Therefore, it has been classified as a Variant of Uncertain Significance. An algorithm developed to predict the effect of missense changes on protein structure and function (PolyPhen-2) suggests that this variant is likely to be disruptive. ClinVar contains an entry for this variant (Variation ID: 1938692). This variant has not been reported in the literature in individuals affected with UNC80-related conditions. This sequence change replaces arginine, which is basic and polar, with leucine, which is neutral and non-polar, at codon 1076 of the UNC80 protein (p.Arg1076Leu).

NM_001371986.1(UNC80):c.3227G>T (p.Arg1076Leu)

Gene: UNC80 (unc-80 homolog, NALCN channel complex subunit; plus strand). Cytogenetic location: 2q34.
Variant type: single nucleotide variant.
Coding change: c.3227G>T on transcript NM_001371986.1 (MANE Select); coding-DNA position 3227, G replaced by T.
Protein change: p.Arg1076Leu; replaces arginine 1076 with leucine.
Molecular consequence: missense variant.
Genome position (GRCh38, 1-based): chr2:209,839,407, G>T. VCF-style: chr2-209839407-G-T. GRCh37 (hg19) VCF-style: chr2-210704131-G-T.
Other names: c.3227G>T, p.Arg1076Leu (NM_032504.2); c.3212G>T, p.Arg1071Leu (NM_182587.4); short protein forms R1071L, R1076L.
Identifiers: ClinVar variation 1938692 (VCV001938692.4), dbSNP rs977303978, ClinGen allele CA350412452.